The following is an entry in ClinVar:

ClinVar aggregate classification (germline): Likely benign (1 of 4 stars; one submission).

Allele frequency attached by ClinVar (database versions not stated): 1000 Genomes Project 0.00060; ESP Exome Variant Server 0.00092; 1000 Genomes Project 30x 0.00094; gnomAD 0.00099; gnomAD exomes 0.00109; TOPMed 0.00110; ExAC 0.00200.
gnomAD v4.1: 1,820 of 1,613,774 alleles (0.11%); highest among the groups gnomAD compares: Middle Eastern, 0.73%; 18 homozygotes.

Submission:

CeGaT Center for Human Genetics Tuebingen
Classification: Likely benign. Last evaluated: 2022-11-01. Review status: criteria provided, single submitter. Criteria: CeGaT Center For Human Genetics Tuebingen Variant Classification Criteria Version 2. Collection method: clinical testing. Allele origin: germline. Affected: yes. Observed: 1 variant allele.
Comment: CPNE7: BP4, BP7, BS2

NM_153636.3(CPNE7):c.1077C>T (p.Ser359=)

Gene: CPNE7 (copine 7; plus strand). Cytogenetic location: 16q24.3.
Variant type: single nucleotide variant.
Coding change: c.1077C>T on transcript NM_153636.3 (MANE Select); coding-DNA position 1077, C replaced by T.
Protein change: p.Ser359=; no amino-acid change (serine 359 retained).
Molecular consequence: synonymous variant.
Genome position (GRCh38, 1-based): chr16:89,589,912, C>T. VCF-style: chr16-89589912-C-T. GRCh37 (hg19) VCF-style: chr16-89656320-C-T.
Other names: c.1302C>T, p.Ser434= (NM_014427.5).
Identifiers: ClinVar variation 2647117 (VCV002647117.24), dbSNP rs142982895, ClinGen allele CA8245771.